The following is an entry in ClinVar:

ClinVar aggregate classification (germline): Likely benign. Review status: criteria provided, multiple submitters, no conflicts (2 of 4 stars). 2 submissions from 2 submitters: Likely benign (2). Last evaluated 2026-08-01.

Allele frequency attached by ClinVar (database versions not stated): ExAC 0.00008; gnomAD exomes 0.00013 and 0.00055; 1000 Genomes Project 0.00040; 1000 Genomes Project 30x 0.00062; TOPMed 0.00161; gnomAD 0.00172 and 0.00180.
gnomAD v4.1: 447 of 1,613,484 alleles (0.028%); highest among the groups gnomAD compares: Admixed American, 0.74%; 8 homozygotes.

Submissions (2):

CeGaT Center for Human Genetics Tuebingen
Classification: Likely benign. Last evaluated: 2026-08-01. Review status: criteria provided, single submitter. Criteria: CeGaT Center For Human Genetics Tuebingen Variant Classification Criteria Version 2. Collection method: clinical testing. Allele origin: germline. Affected: yes. Observed: 7 variant alleles.
Comment: HERC2: BP4, BP7

Labcorp Genetics (formerly Invitae), Labcorp
Classification: Likely benign. Last evaluated: 2019-12-31. Review status: criteria provided, single submitter. Criteria: Invitae Variant Classification Sherloc (09022015). Collection method: clinical testing. Allele origin: germline.

NM_004667.6(HERC2):c.6558C>T (p.Ala2186=)

Gene: HERC2 (HECT and RLD domain containing E3 ubiquitin protein ligase 2; minus strand). Cytogenetic location: 15q13.1.
Variant type: single nucleotide variant.
Coding change: c.6558C>T on transcript NM_004667.6 (MANE Select); coding-DNA position 6558, C replaced by T.
Protein change: p.Ala2186=; no amino-acid change (alanine 2186 retained).
Molecular consequence: synonymous variant.
Genome position (GRCh38, 1-based): chr15:28,213,970, G>A on the plus strand (C>T on the coding strand, the complement: HERC2 is on the minus strand). VCF-style: chr15-28213970-G-A. GRCh37 (hg19) VCF-style: chr15-28459116-G-A.
Identifiers: ClinVar variation 732016 (VCV000732016.11), dbSNP rs559761830, ClinGen allele CA7441996.